The following is an entry in ClinVar:

ClinVar aggregate classification (germline): Uncertain significance (1 of 4 stars; one submission).

Allele frequency attached by ClinVar (database versions not stated): gnomAD exomes below 0.00001; ExAC 0.00001; ESP Exome Variant Server 0.00008.

Submission:

Labcorp Genetics (formerly Invitae), Labcorp
Classification: Uncertain significance. Last evaluated: 2021-02-10. Review status: criteria provided, single submitter. Criteria: Invitae Variant Classification Sherloc (09022015). Collection method: clinical testing. Allele origin: germline.
Comment: In summary, the available evidence is currently insufficient to determine the role of this variant in disease. Therefore, it has been classified as a Variant of Uncertain Significance. Algorithms developed to predict the effect of missense changes on protein structure and function (SIFT, PolyPhen-2, Align-GVGD) all suggest that this variant is likely to be tolerated, but these predictions have not been confirmed by published functional studies and their clinical significance is uncertain. This variant has not been reported in the literature in individuals with SLC25A12-related conditions. This variant is present in population databases (rs371208996, ExAC 0.01%). This sequence change replaces leucine with valine at codon 431 of the SLC25A12 protein (p.Leu431Val). The leucine residue is moderately conserved and there is a small physicochemical difference between leucine and valine.

NM_003705.5(SLC25A12):c.1291C>G (p.Leu431Val)

Gene: SLC25A12 (solute carrier family 25 member 12; minus strand). Cytogenetic location: 2q31.1.
Variant type: single nucleotide variant.
Coding change: c.1291C>G on transcript NM_003705.5 (MANE Select); coding-DNA position 1291, C replaced by G.
Protein change: p.Leu431Val; replaces leucine 431 with valine.
Molecular consequence: missense variant. On other transcripts: non-coding transcript variant (1).
Genome position (GRCh38, 1-based): chr2:171,809,620, G>C on the plus strand (C>G on the coding strand, the complement: SLC25A12 is on the minus strand). VCF-style: chr2-171809620-G-C. GRCh37 (hg19) VCF-style: chr2-172666130-G-C.
Other names: short protein forms L431V.
Identifiers: ClinVar variation 1508781 (VCV001508781.8), dbSNP rs371208996, ClinGen allele CA1966158.